The following is an entry in ClinVar:

NM_170606.3(KMT2C):c.10894C>T (p.Pro3632Ser)

Gene: KMT2C (lysine methyltransferase 2C; minus strand). Cytogenetic location: 7q36.1.
Variant type: single nucleotide variant.
Coding change: c.10894C>T on transcript NM_170606.3 (MANE Select); coding-DNA position 10894, C replaced by T.
Protein change: p.Pro3632Ser; replaces proline 3632 with serine.
Molecular consequence: missense variant.
Genome position (GRCh38, 1-based): chr7:152,162,683, G>A on the plus strand (C>T on the coding strand, the complement: KMT2C is on the minus strand). VCF-style: chr7-152162683-G-A. GRCh37 (hg19) VCF-style: chr7-151859768-G-A.
Other names: short protein forms P3632S.
Identifiers: ClinVar variation 134790 (VCV000134790.1), dbSNP rs587778503, ClinGen allele CA160749.
Genomic context (GRCh38, chr7:152,162,683, plus strand): 5'-GCTCACTGGGTGTGCTCACTGCAGGAGTAGAGGTAGTTTCTGAGATGCCTGGAGTCGGTG[G>A]GGCAGTTATATCTGAATGGGGAGTTGATGGAGCCTTGGTGGATTCTGCATCATCATCTCT-3'
Protein context (NP_733751.2, residues 3622-3642): PSTPHSDITA[Pro3632Ser]PTPGISETTS

ClinVar aggregate classification (germline): not provided (0 of 4 stars; one submission).

Submission:

ITMI
No classification provided. Condition: AllHighlyPenetrant. Last evaluated: 2013-09-19. Review status: no classification provided. Collection method: reference population. Allele origin: germline.
Comment: Please see associated publication for description of ethnicities

Literature cited by the submitters: PubMed 24728327.